The following is an entry in ClinVar:

NM_058216.3(RAD51C):c.65C>A (p.Ala22Glu)

Gene: RAD51C (RAD51 paralog C; plus strand). Cytogenetic location: 17q22.
Variant type: single nucleotide variant.
Coding change: c.65C>A on transcript NM_058216.3 (MANE Select); coding-DNA position 65, C replaced by A.
Protein change: p.Ala22Glu; replaces alanine 22 with glutamic acid.
Molecular consequence: missense variant. On other transcripts: non-coding transcript variant (1).
Genome position (GRCh38, 1-based): chr17:58,692,708, C>A. VCF-style: chr17-58692708-C-A. GRCh37 (hg19) VCF-style: chr17-56770069-C-A.
Other names: c.65C>A, p.Ala22Glu (NM_002876.4, NM_058217.1); short protein forms A22E.
Identifiers: ClinVar variation 1754402 (VCV001754402.4), dbSNP rs2143676047, ClinGen allele CA400336836.

ClinVar aggregate classification (germline): Conflicting classifications of pathogenicity. Review status: criteria provided, conflicting classifications (1 of 4 stars). 2 submissions from 2 submitters: Uncertain significance (1); Likely benign (1). Last evaluated 2025-03-30.

Conditions:
Hereditary cancer-predisposing syndrome. Also called: Neoplastic Syndromes, Hereditary; Tumor predisposition; Hereditary Cancer Syndrome; Hereditary neoplastic syndrome. Identifiers: Orphanet 140162, MedGen C0027672, MeSH D009386, MONDO:0015356.

Allele frequency attached by ClinVar (database versions not stated): gnomAD exomes below 0.00001.
gnomAD v4.1: 1 of 1,614,200 alleles (0.000062%); highest among the groups gnomAD compares: Non-Finnish European, 0.000085%; no homozygotes.

Submissions (2):

Ambry Genetics
Classification: Likely benign for Hereditary cancer-predisposing syndrome. Last evaluated: 2025-03-30. Review status: criteria provided, single submitter. Criteria: Ambry Variant Classification Scheme 2023. Collection method: clinical testing. Allele origin: germline.

GeneDx
Classification: Uncertain significance. Last evaluated: 2024-10-01. Review status: criteria provided, single submitter. Criteria: GeneDx Variant Classification Process June 2021. Collection method: clinical testing. Allele origin: germline. Affected: yes.
Comment: Not observed at significant frequency in large population cohorts (gnomAD); In silico analysis indicates that this missense variant does not alter protein structure/function; Has not been previously published as pathogenic or benign to our knowledge